The following is an entry in ClinVar:

ClinVar aggregate classification (germline): Benign. Review status: criteria provided, multiple submitters, no conflicts (2 of 4 stars). 8 submissions from 7 submitters: Benign (8). Last evaluated 2026-02-03.

Conditions:
Acrodysostosis 1 with or without hormone resistance (ACRDYS1). Also called: ACRODYSOSTOSIS 1 WITH HORMONE RESISTANCE; ACRODYSOSTOSIS 1 WITHOUT HORMONE RESISTANCE; ACRODYSOSTOSIS WITH HORMONE RESISTANCE. Identifiers: Orphanet 280651, MedGen C3276228, MONDO:0007044, OMIM 101800.
Carney complex, type 1 (CNC1). Also called: CARNEY MYXOMA-ENDOCRINE COMPLEX; CARNEY COMPLEX, TYPE I. Identifiers: Orphanet 1359, MedGen C2607929, MONDO:0008057, OMIM 160980.
Familial atrial myxoma. Identifiers: Orphanet 615, MedGen C2931787, MONDO:0009719, OMIM 255960.

Allele frequency attached by ClinVar (database versions not stated): ExAC 0.00150; ESP Exome Variant Server 0.00461; TOPMed 0.00515; 1000 Genomes Project 30x 0.00547; 1000 Genomes Project 0.00579.
gnomAD v4.1: 1,520 of 1,610,440 alleles (0.094%); highest among the groups gnomAD compares: African/African-American, 1.6%; 17 homozygotes.

Submissions (8):

Labcorp Genetics (formerly Invitae), Labcorp
Classification: Benign for Carney complex, type 1. Last evaluated: 2026-02-03. Review status: criteria provided, single submitter. Criteria: Invitae Variant Classification Sherloc (09022015). Collection method: clinical testing. Allele origin: germline.

ARUP Laboratories, Molecular Genetics and Genomics, ARUP Laboratories
Classification: Benign. Last evaluated: 2025-05-01. Review status: criteria provided, single submitter. Criteria: ARUP Molecular Germline Variant Investigation Process 2024. Collection method: clinical testing. Allele origin: germline.

KCCC/NGS Laboratory, Kuwait Cancer Control Center
Classification: Benign for Familial atrial myxoma. Last evaluated: 2023-07-07. Review status: criteria provided, single submitter. Criteria: ACMG Guidelines, 2015. Collection method: clinical testing. Allele origin: germline. Affected: yes.

Department of Pathology and Laboratory Medicine, Sinai Health System
Classification: Benign for Carney complex, type 1. Last evaluated: 2023-06-01. Review status: criteria provided, single submitter. Criteria: ACMG Guidelines, 2015. Collection method: clinical testing. Allele origin: germline. Affected: yes.

Illumina Laboratory Services, Illumina
Classification: Benign for Acrodysostosis 1 with or without hormone resistance. Last evaluated: 2018-01-12. Review status: criteria provided, single submitter. Criteria: ICSL Variant Classification Criteria 13 December 2019. Collection method: clinical testing. Allele origin: germline.
Comment: This variant was observed in the ICSL laboratory as part of a predisposition screen in an ostensibly healthy population. It had not been previously curated by ICSL or reported in the Human Gene Mutation Database (HGMD: prior to June 1st, 2018), and was therefore a candidate for classification through an automated scoring system. Utilizing variant allele frequency, disease prevalence and penetrance estimates, and inheritance mode, an automated score was calculated to assess if this variant is too frequent to cause the disease. Based on the score and internal cut-off values, a variant classified as benign is not then subjected to further curation. The score for this variant resulted in a classification of benign for this disease.

Illumina Laboratory Services, Illumina
Classification: Benign for Carney complex, type 1. Last evaluated: 2018-01-12. Review status: criteria provided, single submitter. Criteria: ICSL Variant Classification Criteria 13 December 2019. Collection method: clinical testing. Allele origin: germline.
Comment: the same text as in the submission from Illumina Laboratory Services, Illumina above.

GeneDx
Classification: Benign. Last evaluated: 2015-04-16. Review status: criteria provided, single submitter. Criteria: GeneDx Variant Classification (06012015). Collection method: clinical testing. Allele origin: germline. Affected: yes.
Comment: This variant is considered likely benign or benign based on one or more of the following criteria: it is a conservative change, it occurs at a poorly conserved position in the protein, it is predicted to be benign by multiple in silico algorithms, and/or has population frequency not consistent with disease.

Breakthrough Genomics
Classification: Benign. Review status: criteria provided, single submitter. Criteria: ACMG Guidelines, 2015. Collection method: not provided. Allele origin: germline. Inheritance: Autosomal dominant inheritance. Affected: yes.

NM_002734.5(PRKAR1A):c.440+15T>C

Gene: PRKAR1A (protein kinase cAMP-dependent type I regulatory subunit alpha; plus strand). Cytogenetic location: 17q24.2.
Variant type: single nucleotide variant.
Coding change: c.440+15T>C on transcript NM_002734.5 (MANE Select); 15 bases into the intron after coding-DNA position 440, T replaced by C.
Molecular consequence: intron variant.
Genome position (GRCh38, 1-based): chr17:68,523,831, T>C. VCF-style: chr17-68523831-T-C. GRCh37 (hg19) VCF-style: chr17-66519972-T-C.
Other names: c.440+15T>C (NM_001278433.2, NM_001369389.1, NM_212471.3 and 5 more transcripts).
Identifiers: ClinVar variation 378429 (VCV000378429.16), dbSNP rs78183210, ClinGen allele CA8729239.
Genomic context (GRCh38, chr17:68,523,831, plus strand): 5'-TTGAAAAGAATGTGCTGTTTTCACATCTTGATGATAATGAGAGAAGGTAGGAACAGGCTC[T>C]TTCTTAACACTATTTTTCAAGTAAGGGTGTGATCCCAAATTGTTTTCAACACTTGTTGCA-3'